The following is an entry in ClinVar:

NM_001367624.2(ZNF469):c.9881C>T (p.Thr3294Ile)

Gene: ZNF469 (zinc finger protein 469; plus strand). Cytogenetic location: 16q24.2.
Variant type: single nucleotide variant.
Coding change: c.9881C>T on transcript NM_001367624.2 (MANE Select); coding-DNA position 9881, C replaced by T.
Protein change: p.Thr3294Ile; replaces threonine 3294 with isoleucine.
Molecular consequence: missense variant.
Genome position (GRCh38, 1-based): chr16:88,437,351, C>T. VCF-style: chr16-88437351-C-T. GRCh37 (hg19) VCF-style: chr16-88503759-C-T.
Other names: NM_001127464.1:c.9797C>T; short protein forms T3294I.
Identifiers: ClinVar variation 3232890 (VCV003232890.1), dbSNP rs938133496, ClinGen allele CA286385893.

ClinVar aggregate classification (germline): Uncertain significance (1 of 4 stars; one submission).

Conditions:
Cardiovascular phenotype. Identifiers: MedGen CN230736.

Submission:

Ambry Genetics
Classification: Uncertain significance for Cardiovascular phenotype. Last evaluated: 2023-10-19. Review status: criteria provided, single submitter. Criteria: Ambry Variant Classification Scheme 2023. Collection method: clinical testing. Allele origin: germline.
Comment: The p.T3266I variant (also known as c.9797C>T), located in coding exon 2 of the ZNF469 gene, results from a C to T substitution at nucleotide position 9797. The threonine at codon 3266 is replaced by isoleucine, an amino acid with similar properties. This amino acid position is conserved. In addition, this alteration is predicted to be tolerated by in silico analysis. Since supporting evidence is limited at this time, the clinical significance of this alteration remains unclear.